The following is an entry in ClinVar:

NM_181882.3(PRX):c.1972C>T (p.Gln658Ter)

Gene: PRX (periaxin; minus strand). Cytogenetic location: 19q13.2.
Variant type: single nucleotide variant.
Coding change: c.1972C>T on transcript NM_181882.3 (MANE Select); coding-DNA position 1972, C replaced by T.
Protein change: p.Gln658Ter; replaces glutamine 658 with a stop codon.
Molecular consequence: nonsense. On other transcripts: 3 prime UTR variant (1).
Genome position (GRCh38, 1-based): chr19:40,396,380, G>A on the plus strand (C>T on the coding strand, the complement: PRX is on the minus strand). VCF-style: chr19-40396380-G-A. GRCh37 (hg19) VCF-style: chr19-40902287-G-A.
Other names: c.*2177C>T (NM_020956.2); short protein forms Q658*.
Identifiers: ClinVar variation 1049249 (VCV001049249.1), dbSNP rs2145729505, ClinGen allele CA405897275.

ClinVar aggregate classification (germline): Likely pathogenic (0 of 4 stars; one submission).

Submission:

Department of Pathology and Laboratory Medicine, Sinai Health System
Classification: Likely pathogenic. Review status: no assertion criteria provided. Collection method: clinical testing. Allele origin: unknown. Affected: yes. Study: The Canadian Open Genetics Repository (COGR).
Comment: The PRX p.Gln658* variant was not identified in the literature nor was it identified in dbSNP, ClinVar, LOVD 3.0 or in the following control databases: the 1000 Genomes Project, the NHLBI GO Exome Sequencing Project, the Exome Aggregation Consortium (August 8th 2016), or the Genome Aggregation Database (March 6, 2019, v2.1.1). The c.1972C>T variant leads to a premature stop codon at position 658 which is predicted to lead to a truncated or absent protein and loss of function. Loss of function variants of the PRX gene are an established mechanism of disease in Charcot-Marie-Tooth Neuropathy Type 4 and is the type of variant expected to cause the disorder when found in the homozygous or compound heterozygous state. The variant occurs outside of the splicing consensus sequence and in silico or computational prediction software programs (SpliceSiteFinder, MaxEntScan, NNSPLICE, GeneSplicer) do not predict a difference in splicing. In summary, based on the above information this variant cannot be determined with certainty at this time although we would lean towards a more pathogenic role for this variant. This variant is classified as likely pathogenic.